The following is an entry in ClinVar:

NM_001177316.2(SLC34A3):c.757T>C (p.Leu253=)

Gene: SLC34A3 (solute carrier family 34 member 3; plus strand). Cytogenetic location: 9q34.3.
Variant type: single nucleotide variant.
Coding change: c.757T>C on transcript NM_001177316.2 (MANE Select); coding-DNA position 757, T replaced by C.
Protein change: p.Leu253=; no amino-acid change (leucine 253 retained).
Molecular consequence: synonymous variant.
Genome position (GRCh38, 1-based): chr9:137,233,633, T>C. VCF-style: chr9-137233633-T-C. GRCh37 (hg19) VCF-style: chr9-140128085-T-C.
Other names: p.Leu253=; c.757T>C, p.Leu253= (NM_001177317.2, NM_080877.3).
Identifiers: ClinVar variation 281214 (VCV000281214.21), dbSNP rs28407527, ClinGen allele CA5364587.

ClinVar aggregate classification (germline): Benign. Review status: criteria provided, multiple submitters, no conflicts (2 of 4 stars). 11 submissions from 11 submitters: Benign (7). 4 of the submissions do not count toward it. Last evaluated 2026-02-04.

Conditions:
Autosomal recessive hypophosphatemic bone disease (HHRH). Also called: Hypophosphatemic rickets with hypercalciuria; HYPERCALCIURIC RICKETS. Identifiers: Orphanet 157215, MedGen C1853271, MONDO:0009431, OMIM 241530.

Allele frequency attached by ClinVar (database versions not stated): ESP Exome Variant Server 0.41366; gnomAD 0.42407 and 0.42779; TOPMed 0.44337; ExAC 0.44449; gnomAD exomes 0.45143; 1000 Genomes Project 0.45567; 1000 Genomes Project 30x 0.46237.
gnomAD v4.1: 693,279 of 1,610,930 alleles (43%); highest among the groups gnomAD compares: Admixed American, 60%; 151,484 homozygotes.

Submissions (11):

Labcorp Genetics (formerly Invitae), Labcorp
Classification: Benign. Last evaluated: 2026-02-04. Review status: criteria provided, single submitter. Criteria: Invitae Variant Classification Sherloc (09022015). Collection method: clinical testing. Allele origin: germline.

Blueprint Genetics
Classification: Benign. Last evaluated: 2024-11-27. Review status: criteria provided, single submitter. Criteria: ACMG Guidelines, 2015. Collection method: clinical testing. Allele origin: germline.

Mayo Clinic Laboratories, Mayo Clinic
Classification: Benign. Last evaluated: 2022-10-04. Review status: criteria provided, single submitter. Criteria: ACMG Guidelines, 2015. Collection method: clinical testing. Allele origin: germline. Observed: 117 variant alleles.
Comment: BS1, BS2, BP4, BP7

GeneDx
Classification: Benign. Last evaluated: 2018-09-17. Review status: criteria provided, single submitter. Criteria: GeneDx Variant Classification Process June 2021. Collection method: clinical testing. Allele origin: germline. Affected: yes.
Comment: This variant is associated with the following publications: (PMID: 20074341)

Women's Health and Genetics/Laboratory Corporation of America, LabCorp
Classification: Benign. Last evaluated: 2016-06-14. Review status: criteria provided, single submitter. Criteria: LabCorp Variant Classification Summary - May 2015. Collection method: clinical testing. Allele origin: germline.
Comment: Variant summary: SLC34A3 c.757T>C (p.Leu253=) is a synonymous change that involves a non-conserved nucleotide at the Intron 7-Exon 8 boundary. One in silico tool predicts a benign outcome, and 5/5 splicing algorithms predict that this variant does not affect normal splicing, however no functional studies supporting these in silico predictions were published at the time of evaluation. This variant was found in 53912/121368 control chromosomes (12221 homozygotes) at a frequency of 0.4442028, which is approximately 251 times the estimated maximal expected allele frequency of a pathogenic SLC34A3 variant (0.0017678), suggesting this variant is likely a benign polymorphism. Additionally, the variant of interest was classified as Benign by one clinical laboratory. Taken together, the variant was classified as Benign. Taken together, the variant was classified as Benign based on the prevalence in the general population.

Eurofins Ntd Llc (ga)
Classification: Benign. Last evaluated: 2015-07-01. Review status: criteria provided, single submitter. Criteria: EGL Classification Definitions 2015. Collection method: clinical testing. Allele origin: germline.

Breakthrough Genomics
Classification: Benign. Review status: criteria provided, single submitter. Criteria: ACMG Guidelines, 2015. Collection method: not provided. Allele origin: germline. Inheritance: Autosomal recessive inheritance. Affected: yes.

Clinical Genetics DNA and cytogenetics Diagnostics Lab, Erasmus MC, Erasmus Medical Center
Classification: Likely benign. Review status: no assertion criteria provided. Collection method: clinical testing. Allele origin: germline. Affected: yes. Study: VKGL Data-share Consensus. Not counted in ClinVar's aggregate classification.

Diagnostic Laboratory, Department of Genetics, University Medical Center Groningen
Classification: Benign for Autosomal recessive hypophosphatemic bone disease. Review status: no assertion criteria provided. Collection method: clinical testing. Allele origin: germline. Affected: yes. Study: VKGL Data-share Consensus. Not counted in ClinVar's aggregate classification.

Genome Diagnostics Laboratory, University Medical Center Utrecht
Classification: Benign. Review status: no assertion criteria provided. Collection method: clinical testing. Allele origin: germline. Affected: yes. Study: VKGL Data-share Consensus. Not counted in ClinVar's aggregate classification.

Joint Genome Diagnostic Labs from Nijmegen and Maastricht, Radboudumc and MUMC+
Classification: Benign. Review status: no assertion criteria provided. Collection method: clinical testing. Allele origin: germline. Affected: yes. Study: VKGL Data-share Consensus. Not counted in ClinVar's aggregate classification.

Literature cited by the submitters: PubMed 20074341 (cited by Mayo Clinic Laboratories, Mayo Clinic and Women's Health and Genetics/Laboratory Corporation of America, LabCorp); PubMed 16849419 (cited by Women's Health and Genetics/Laboratory Corporation of America, LabCorp); PubMed 16358215 (cited by Women's Health and Genetics/Laboratory Corporation of America, LabCorp).